The following is an entry in ClinVar:

NM_001394372.1(BICRA):c.4005A>C (p.Pro1335=)

Gene: BICRA (BRD4 interacting chromatin remodeling complex associated protein; plus strand). Cytogenetic location: 19q13.33.
Variant type: single nucleotide variant.
Coding change: c.4005A>C on transcript NM_001394372.1 (MANE Select); coding-DNA position 4005, A replaced by C.
Protein change: p.Pro1335=; no amino-acid change (proline 1335 retained).
Molecular consequence: synonymous variant.
Genome position (GRCh38, 1-based): chr19:47,701,737, A>C. VCF-style: chr19-47701737-A-C. GRCh37 (hg19) VCF-style: chr19-48204994-A-C.
Other names: c.4005A>C, p.Pro1335= (NM_015711.3).
Identifiers: ClinVar variation 2650184 (VCV002650184.24), dbSNP rs750025883, ClinGen allele CA9542355.

ClinVar aggregate classification (germline): Likely benign (1 of 4 stars; one submission).

Allele frequency attached by ClinVar (database versions not stated): gnomAD 0.00006.

Submission:

CeGaT Center for Human Genetics Tuebingen
Classification: Likely benign. Last evaluated: 2022-11-01. Review status: criteria provided, single submitter. Criteria: CeGaT Center For Human Genetics Tuebingen Variant Classification Criteria Version 2. Collection method: clinical testing. Allele origin: germline. Affected: yes. Observed: 3 variant alleles.
Comment: BICRA: BP4, BP7